The following is an entry in ClinVar:

NM_033026.6(PCLO):c.9265G>C (p.Val3089Leu)

Gene: PCLO (piccolo presynaptic cytomatrix protein; minus strand). Cytogenetic location: 7q21.11.
Variant type: single nucleotide variant.
Coding change: c.9265G>C on transcript NM_033026.6 (MANE Select); coding-DNA position 9265, G replaced by C.
Protein change: p.Val3089Leu; replaces valine 3089 with leucine.
Molecular consequence: missense variant.
Genome position (GRCh38, 1-based): chr7:82,951,323, C>G on the plus strand (G>C on the coding strand, the complement: PCLO is on the minus strand). VCF-style: chr7-82951323-C-G. GRCh37 (hg19) VCF-style: chr7-82580639-C-G.
Other names: c.9265G>C, p.Val3089Leu (NM_014510.3); short protein forms V3089L.
Identifiers: ClinVar variation 1485667 (VCV001485667.8), dbSNP rs1366615912, ClinGen allele CA367908862.
Genomic context (GRCh38, chr7:82,951,323, plus strand): 5'-AGCCAGGTTGTGTGGTGATAGCAAATGTAGAGGGTGTTGGAGTTGCTACTGAAGAATAGA[C>G]AACACCATTAGATGACCTCAAAACACTCCCCACACAATACTGGGGTCCTGGTGGTGGTGT-3'
Protein context (NP_149015.2, residues 3079-3099): GSVLRSSNGV[Val3089Leu]YSSVATPTPS

ClinVar aggregate classification (germline): Uncertain significance (1 of 4 stars; one submission).

gnomAD v4.1: 2 of 1,611,810 alleles (0.00012%); highest among the groups gnomAD compares: Non-Finnish European, 0.000085%; no homozygotes.

Submission:

Labcorp Genetics (formerly Invitae), Labcorp
Classification: Uncertain significance. Last evaluated: 2022-09-07. Review status: criteria provided, single submitter. Criteria: Invitae Variant Classification Sherloc (09022015). Collection method: clinical testing. Allele origin: germline.
Comment: This variant is not present in population databases (gnomAD no frequency). This variant has not been reported in the literature in individuals affected with PCLO-related conditions. ClinVar contains an entry for this variant (Variation ID: 1485667). Algorithms developed to predict the effect of missense changes on protein structure and function are either unavailable or do not agree on the potential impact of this missense change (SIFT: "Deleterious"; PolyPhen-2: "Not Available"; Align-GVGD: "Class C0"). In summary, the available evidence is currently insufficient to determine the role of this variant in disease. Therefore, it has been classified as a Variant of Uncertain Significance. This sequence change replaces valine, which is neutral and non-polar, with leucine, which is neutral and non-polar, at codon 3089 of the PCLO protein (p.Val3089Leu).